The following is an entry in ClinVar:

ClinVar aggregate classification (germline): Uncertain significance (1 of 4 stars; one submission).

Allele frequency attached by ClinVar (database versions not stated): gnomAD exomes below 0.00001; TOPMed below 0.00001.
gnomAD v4.1: 6 of 1,602,344 alleles (0.00037%); highest among the groups gnomAD compares: South Asian, 0.0055%; no homozygotes.

Submission:

Labcorp Genetics (formerly Invitae), Labcorp
Classification: Uncertain significance. Last evaluated: 2022-10-11. Review status: criteria provided, single submitter. Criteria: Invitae Variant Classification Sherloc (09022015). Collection method: clinical testing. Allele origin: germline.
Comment: This variant is not present in population databases (gnomAD no frequency). This variant has not been reported in the literature in individuals affected with ASAH1-related conditions. This sequence change replaces proline, which is neutral and non-polar, with arginine, which is basic and polar, at codon 389 of the ASAH1 protein (p.Pro389Arg). In summary, the available evidence is currently insufficient to determine the role of this variant in disease. Therefore, it has been classified as a Variant of Uncertain Significance. Algorithms developed to predict the effect of missense changes on protein structure and function are either unavailable or do not agree on the potential impact of this missense change (SIFT: "Deleterious"; PolyPhen-2: "Benign"; Align-GVGD: "Class C65").

NM_177924.5(ASAH1):c.1166C>G (p.Pro389Arg)

Gene: ASAH1 (N-acylsphingosine amidohydrolase 1; minus strand). Cytogenetic location: 8p22.
Variant type: single nucleotide variant.
Coding change: c.1166C>G on transcript NM_177924.5 (MANE Select); coding-DNA position 1166, C replaced by G.
Protein change: p.Pro389Arg; replaces proline 389 with arginine.
Molecular consequence: missense variant.
Genome position (GRCh38, 1-based): chr8:18,057,556, G>C on the plus strand (C>G on the coding strand, the complement: ASAH1 is on the minus strand). VCF-style: chr8-18057556-G-C. GRCh37 (hg19) VCF-style: chr8-17915065-G-C.
Other names: c.1148C>G, p.Pro383Arg (NM_001127505.3); c.971C>G, p.Pro324Arg (NM_001363743.2); c.1214C>G, p.Pro405Arg (NM_004315.6); short protein forms P324R, P383R, P389R, P405R.
Identifiers: ClinVar variation 2418507 (VCV002418507.6), dbSNP rs879107867, ClinGen allele CA173135116.